The following is an entry in ClinVar:

NM_130839.5(UBE3A):c.1000C>G (p.Arg334Gly)

Genes: SNHG14 (small nucleolar RNA host gene 14; plus strand), UBE3A (ubiquitin protein ligase E3A; minus strand). Cytogenetic location: 15q11.2.
Variant type: single nucleotide variant.
Coding change: c.1000C>G on transcript NM_130839.5 (MANE Select); coding-DNA position 1000, C replaced by G.
Protein change: p.Arg334Gly; replaces arginine 334 with glycine.
Molecular consequence: missense variant. On other transcripts: non-coding transcript variant (1), intron variant (2).
Genome position (GRCh38, 1-based): chr15:25,371,174, G>C on the plus strand (C>G on the coding strand, the complement: UBE3A is on the minus strand). VCF-style: chr15-25371174-G-C. GRCh37 (hg19) VCF-style: chr15-25616321-G-C.
Other names: c.940C>G, p.Arg314Gly (NM_001354523.2, NM_001354526.1, NM_001354539.2 and 17 more transcripts); c.1000C>G, p.Arg334Gly (NM_001354538.2, NM_001354545.2, NM_001354505.1); c.823C>G, p.Arg275Gly (NM_001354546.2); c.301+4291C>G (NM_001354551.2); c.361+4291C>G (NM_001354550.2); c.1009C>G, p.Arg337Gly (NM_000462.5); short protein forms R275G, R314G, R334G, R337G.
Identifiers: ClinVar variation 2837209 (VCV002837209.3), dbSNP rs2080247693, ClinGen allele CA391354591.

ClinVar aggregate classification (germline): Uncertain significance (1 of 4 stars; one submission).

Conditions:
Angelman syndrome (AS). Also called: HAPPY PUPPET SYNDROME. Identifiers: Orphanet 72, MedGen C0162635, MONDO:0007113, OMIM 105830. Disease mechanism: loss of function. Inheritance: AS is caused by disruption of maternally imprinted UBE3A located within the 15q11.2-q13 Angelman syndrome/Prader-Willi syndrome (AS/PWS) region., imprinting disorder.

Submission:

Labcorp Genetics (formerly Invitae), Labcorp
Classification: Uncertain significance for Angelman syndrome. Last evaluated: 2023-02-14. Review status: criteria provided, single submitter. Criteria: Invitae Variant Classification Sherloc (09022015). Collection method: clinical testing. Allele origin: germline.
Comment: This variant is not present in population databases (gnomAD no frequency). This variant has not been reported in the literature in individuals affected with UBE3A-related conditions. Advanced modeling of protein sequence and biophysical properties (such as structural, functional, and spatial information, amino acid conservation, physicochemical variation, residue mobility, and thermodynamic stability) performed at Invitae indicates that this missense variant is expected to disrupt UBE3A protein function. In summary, the available evidence is currently insufficient to determine the role of this variant in disease. Therefore, it has been classified as a Variant of Uncertain Significance. This sequence change replaces arginine, which is basic and polar, with glycine, which is neutral and non-polar, at codon 314 of the UBE3A protein (p.Arg314Gly).